The following is an entry in ClinVar:

ClinVar aggregate classification (germline): Conflicting classifications of pathogenicity. Review status: criteria provided, conflicting classifications (1 of 4 stars). 3 submissions from 3 submitters: Likely pathogenic (1); Uncertain significance (2). Last evaluated 2025-11-04.

Conditions:
Congenital disorder of glycosylation with defective fucosylation 2 (CDGF2). Identifiers: MedGen C5193028, MONDO:0020777, OMIM 618324.

Allele frequency attached by ClinVar (database versions not stated): gnomAD 0.00001; gnomAD exomes 0.00001; ExAC 0.00003.

Submissions (3):

Women's Health and Genetics/Laboratory Corporation of America, LabCorp
Classification: Uncertain significance. Last evaluated: 2025-11-04. Review status: criteria provided, single submitter. Criteria: LabCorp Variant Classification Summary - May 2015. Collection method: clinical testing. Allele origin: germline.
Comment: Variant summary: FCSK c.669_670delTG (p.Val225CysfsX42) results in a premature termination codon, predicted to cause a truncation of the encoded protein or absence of the protein due to nonsense mediated decay, however current evidence is not sufficient to establish loss of function as a mechanism for disease. The variant allele was found at a frequency of 1.6e-05 in 249336 control chromosomes (gnomAD). The available data on variant occurrences in the general population are insufficient to allow any conclusion about variant significance. To our knowledge, no occurrence of c.669_670delTG in individuals affected with FCSK-related conditions and no experimental evidence demonstrating its impact on protein function have been reported. ClinVar contains an entry for this variant (Variation ID: 1703172). Based on the evidence outlined above, the variant was classified as uncertain significance.

Labcorp Genetics (formerly Invitae), Labcorp
Classification: Uncertain significance. Last evaluated: 2024-09-21. Review status: criteria provided, single submitter. Criteria: Invitae Variant Classification Sherloc (09022015). Collection method: clinical testing. Allele origin: germline.
Comment: This sequence change creates a premature translational stop signal (p.Val225Cysfs*42) in the FUK gene. It is expected to result in an absent or disrupted protein product. However, the current clinical and genetic evidence is not sufficient to establish whether loss-of-function variants in FUK cause disease. This variant is present in population databases (rs781367500, gnomAD 0.006%). This variant has not been reported in the literature in individuals affected with FUK-related conditions. ClinVar contains an entry for this variant (Variation ID: 1703172). In summary, the available evidence is currently insufficient to determine the role of this variant in disease. Therefore, it has been classified as a Variant of Uncertain Significance.

Greenwood Genetic Center Diagnostic Laboratories, Greenwood Genetic Center
Classification: Likely pathogenic for Congenital disorder of glycosylation with defective fucosylation 2. Last evaluated: 2022-04-28. Review status: criteria provided, single submitter. Criteria: ACMG Guidelines, 2015. Collection method: clinical testing. Allele origin: germline. Affected: yes.
Comment: PVS1, PM2

NM_145059.3(FCSK):c.669_670del (p.Val225fs)

Gene: FCSK (fucose kinase; plus strand). Cytogenetic location: 16q22.1.
Variant type: Deletion.
Coding change: c.669_670del on transcript NM_145059.3 (MANE Select); coding-DNA positions 669 to 670, 2 bases deleted (TG; older notation c.669_670delTG).
Protein change: p.Val225fs; shifts the reading frame from valine 225.
Molecular consequence: frameshift variant.
Genome position (GRCh38, 1-based): chr16:70,468,854-70,468,855, TG deleted. VCF-style (leftmost placement, unchanged base first): chr16-70468853-CTG-C. GRCh37 (hg19) VCF-style: chr16-70502756-CTG-C.
Other names: c.669_670delTG (NM_145059.3); short protein forms V225fs.
Identifiers: ClinVar variation 1703172 (VCV001703172.6), dbSNP rs781367500, ClinGen allele CA8143046.